The following is an entry in ClinVar:

NM_014285.7(EXOSC2):c.569C>T (p.Pro190Leu)

Gene: EXOSC2 (exosome component 2; plus strand). Cytogenetic location: 9q34.12.
Variant type: single nucleotide variant.
Coding change: c.569C>T on transcript NM_014285.7 (MANE Select); coding-DNA position 569, C replaced by T.
Protein change: p.Pro190Leu; replaces proline 190 with leucine.
Molecular consequence: missense variant. On other transcripts: non-coding transcript variant (1).
Genome position (GRCh38, 1-based): chr9:130,702,207, C>T. VCF-style: chr9-130702207-C-T. GRCh37 (hg19) VCF-style: chr9-133577594-C-T.
Other names: c.491C>T, p.Pro164Leu (NM_001282708.1); c.479C>T, p.Pro160Leu (NM_001282709.1); c.569C>T (NM_014285.5); short protein forms P190L, P160L, P164L.
Identifiers: ClinVar variation 3005531 (VCV003005531.4), dbSNP rs2490800450, ClinGen allele CA375247950.

ClinVar aggregate classification (germline): Uncertain significance. Review status: criteria provided, multiple submitters, no conflicts (2 of 4 stars). 2 submissions from 2 submitters: Uncertain significance (2). Last evaluated 2024-03-05.

Submissions (2):

Ambry Genetics
Classification: Uncertain significance. Last evaluated: 2024-03-05. Review status: criteria provided, single submitter. Criteria: Ambry Variant Classification Scheme 2023. Collection method: clinical testing. Allele origin: germline.

Labcorp Genetics (formerly Invitae), Labcorp
Classification: Uncertain significance. Last evaluated: 2022-11-06. Review status: criteria provided, single submitter. Criteria: Invitae Variant Classification Sherloc (09022015). Collection method: clinical testing. Allele origin: germline.
Comment: This variant has not been reported in the literature in individuals affected with EXOSC2-related conditions. Advanced modeling of protein sequence and biophysical properties (such as structural, functional, and spatial information, amino acid conservation, physicochemical variation, residue mobility, and thermodynamic stability) performed at Invitae indicates that this missense variant is not expected to disrupt EXOSC2 protein function. In summary, the available evidence is currently insufficient to determine the role of this variant in disease. Therefore, it has been classified as a Variant of Uncertain Significance. This variant is not present in population databases (gnomAD no frequency). This sequence change replaces proline, which is neutral and non-polar, with leucine, which is neutral and non-polar, at codon 190 of the EXOSC2 protein (p.Pro190Leu).